The following is an entry in ClinVar:

NM_031296.3(RAB33B):c.97A>C (p.Ile33Leu)

Gene: RAB33B (RAB33B, member RAS oncogene family; plus strand). Cytogenetic location: 4q31.1.
Variant type: single nucleotide variant.
Coding change: c.97A>C on transcript NM_031296.3 (MANE Select); coding-DNA position 97, A replaced by C.
Protein change: p.Ile33Leu; replaces isoleucine 33 with leucine.
Molecular consequence: missense variant.
Genome position (GRCh38, 1-based): chr4:139,454,292, A>C. VCF-style: chr4-139454292-A-C. GRCh37 (hg19) VCF-style: chr4-140375446-A-C.
Other names: short protein forms I33L.
Identifiers: ClinVar variation 1416837 (VCV001416837.6), dbSNP rs766581102, ClinGen allele CA3083941.

ClinVar aggregate classification (germline): Uncertain significance. Review status: criteria provided, multiple submitters, no conflicts (2 of 4 stars). 2 submissions from 2 submitters: Uncertain significance (2). Last evaluated 2024-11-12.

Allele frequency attached by ClinVar (database versions not stated): ExAC 0.00005; gnomAD exomes 0.00008 and 0.00022; gnomAD 0.00009; TOPMed 0.00011.

Submissions (2):

Blueprint Genetics
Classification: Uncertain significance. Last evaluated: 2024-11-12. Review status: criteria provided, single submitter. Criteria: ACMG Guidelines, 2015. Collection method: clinical testing. Allele origin: germline.

Labcorp Genetics (formerly Invitae), Labcorp
Classification: Uncertain significance. Last evaluated: 2022-09-27. Review status: criteria provided, single submitter. Criteria: Invitae Variant Classification Sherloc (09022015). Collection method: clinical testing. Allele origin: germline.
Comment: This sequence change replaces isoleucine, which is neutral and non-polar, with leucine, which is neutral and non-polar, at codon 33 of the RAB33B protein (p.Ile33Leu). This variant is present in population databases (rs766581102, gnomAD 0.01%). This variant has not been reported in the literature in individuals affected with RAB33B-related conditions. ClinVar contains an entry for this variant (Variation ID: 1416837). Algorithms developed to predict the effect of missense changes on protein structure and function are either unavailable or do not agree on the potential impact of this missense change (SIFT: "Not Available"; PolyPhen-2: "Benign"; Align-GVGD: "Not Available"). In summary, the available evidence is currently insufficient to determine the role of this variant in disease. Therefore, it has been classified as a Variant of Uncertain Significance.